The following is an entry in ClinVar:

NM_000059.4(BRCA2):c.2710G>A (p.Gly904Arg)

Gene: BRCA2 (BRCA2 DNA repair associated; plus strand). Cytogenetic location: 13q13.1.
Variant type: single nucleotide variant.
Coding change: c.2710G>A on transcript NM_000059.4 (MANE Select); coding-DNA position 2710, G replaced by A.
Protein change: p.Gly904Arg; replaces glycine 904 with arginine.
Molecular consequence: missense variant. On other transcripts: non-coding transcript variant (1), intron variant (2).
Genome position (GRCh38, 1-based): chr13:32,337,065, G>A. VCF-style: chr13-32337065-G-A. GRCh37 (hg19) VCF-style: chr13-32911202-G-A.
Other names: c.2710G>A, p.Gly904Arg (NM_001406719.1, NM_001406720.1); c.1909+3678G>A (NM_001406721.1); c.424+6035G>A (NM_001406722.1); short protein forms G904R.
Identifiers: ClinVar variation 3013150 (VCV003013150.3), dbSNP rs2137489131, ClinGen allele CA387773532.
Genomic context (GRCh38, chr13:32,337,065, plus strand): 5'-TCAGACAATGAGAATAATTTTGTCTTCCAAGTAGCTAATGAAAGGAATAATCTTGCTTTA[G>A]GAAATACTAAGGAACTTCATGAAACAGACTTGACTTGTGTAAACGAACCCATTTTCAAGA-3'
Protein context (NP_000050.3, residues 894-914): VANERNNLAL[Gly904Arg]NTKELHETDL

ClinVar aggregate classification (germline): Uncertain significance (1 of 4 stars; one submission).

Conditions:
Hereditary breast ovarian cancer syndrome. Also called: BRCA1- and BRCA2-Associated Hereditary Breast and Ovarian Cancer; Hereditary breast and ovarian cancer; Hereditary breast and ovarian cancer syndrome; Breast and ovarian cancer; Hereditary breast and ovarian cancer syndrome (HBOC); Hereditary breast and/or ovarian cancer syndrome. Identifiers: Orphanet 145, MedGen C0677776, MeSH D061325, MONDO:0003582. Disease mechanism: loss of function.

Submission:

Labcorp Genetics (formerly Invitae), Labcorp
Classification: Uncertain significance for Hereditary breast ovarian cancer syndrome. Last evaluated: 2025-01-13. Review status: criteria provided, single submitter. Criteria: Invitae Variant Classification Sherloc (09022015). Collection method: clinical testing. Allele origin: germline.
Comment: This sequence change replaces glycine, which is neutral and non-polar, with arginine, which is basic and polar, at codon 904 of the BRCA2 protein (p.Gly904Arg). This variant is not present in population databases (gnomAD no frequency). This variant has not been reported in the literature in individuals affected with BRCA2-related conditions. ClinVar contains an entry for this variant (Variation ID: 3013150). Invitae Evidence Modeling of protein sequence and biophysical properties (such as structural, functional, and spatial information, amino acid conservation, physicochemical variation, residue mobility, and thermodynamic stability) indicates that this missense variant is not expected to disrupt BRCA2 protein function with a negative predictive value of 95%. In summary, the available evidence is currently insufficient to determine the role of this variant in disease. Therefore, it has been classified as a Variant of Uncertain Significance.